The following is an entry in ClinVar:

NM_001606.5(ABCA2):c.5188G>A (p.Val1730Ile)

Gene: ABCA2 (ATP binding cassette subfamily A member 2; minus strand). Cytogenetic location: 9q34.3.
Variant type: single nucleotide variant.
Coding change: c.5188G>A on transcript NM_001606.5 (MANE Select); coding-DNA position 5188, G replaced by A.
Protein change: p.Val1730Ile; replaces valine 1730 with isoleucine.
Molecular consequence: missense variant.
Genome position (GRCh38, 1-based): chr9:137,012,376, C>T on the plus strand (G>A on the coding strand, the complement: ABCA2 is on the minus strand). VCF-style: chr9-137012376-C-T. GRCh37 (hg19) VCF-style: chr9-139906828-C-T.
Other names: c.5185G>A, p.Val1729Ile (NM_001411042.1); c.5278G>A, p.Val1760Ile (NM_212533.3); short protein forms V1729I, V1730I, V1760I.
Identifiers: ClinVar variation 1878717 (VCV001878717.5), dbSNP rs192038143, ClinGen allele CA5354113.

ClinVar aggregate classification (germline): Uncertain significance. Review status: criteria provided, multiple submitters, no conflicts (2 of 4 stars). 4 submissions from 4 submitters: Uncertain significance (4). Last evaluated 2024-04-04.

Conditions:
Intellectual developmental disorder with poor growth and with or without seizures or ataxia. Identifiers: MedGen C5394135, MONDO:0032930, OMIM 618808.

Allele frequency attached by ClinVar (database versions not stated): ExAC 0.00020; ESP Exome Variant Server 0.00024; 1000 Genomes Project 30x 0.00078; 1000 Genomes Project 0.00100.

Submissions (4):

Genomic Medicine Center of Excellence, King Faisal Specialist Hospital and Research Centre
Classification: Uncertain significance for Intellectual developmental disorder with poor growth and with or without seizures or ataxia. Last evaluated: 2024-04-04. Review status: criteria provided, single submitter. Criteria: ACMG Guidelines, 2015. Collection method: clinical testing. Allele origin: germline.

Blueprint Genetics
Classification: Uncertain significance. Last evaluated: 2024-03-05. Review status: criteria provided, single submitter. Criteria: ACMG Guidelines, 2015. Collection method: clinical testing. Allele origin: germline.

Revvity Omics, Revvity
Classification: Uncertain significance for Intellectual developmental disorder with poor growth and with or without seizures or ataxia. Last evaluated: 2023-07-13. Review status: criteria provided, single submitter. Criteria: ACMG Guidelines, 2015. Collection method: clinical testing. Allele origin: germline.

GeneDx
Classification: Uncertain significance. Last evaluated: 2022-07-11. Review status: criteria provided, single submitter. Criteria: GeneDx Variant Classification Process June 2021. Collection method: clinical testing. Allele origin: germline. Affected: yes.
Comment: In silico analysis supports that this missense variant does not alter protein structure/function; Has not been previously published as pathogenic or benign to our knowledge